The following is an entry in ClinVar:

NM_000642.3(AGL):c.1611+6G>A

Gene: AGL (amylo-alpha-1,6-glucosidase and 4-alpha-glucanotransferase; plus strand). Cytogenetic location: 1p21.2.
Variant type: single nucleotide variant.
Coding change: c.1611+6G>A on transcript NM_000642.3 (MANE Select); 6 bases into the intron after coding-DNA position 1611, G replaced by A.
Molecular consequence: intron variant.
Genome position (GRCh38, 1-based): chr1:99,877,834, G>A. VCF-style: chr1-99877834-G-A. GRCh37 (hg19) VCF-style: chr1-100343390-G-A.
Other names: c.1611+6G>A (NM_000643.3, NM_000644.3, NM_001425326.1 and 2 more transcripts); c.1563+6G>A (NM_000646.3); c.1410+6G>A (NM_001425327.1); c.1407+6G>A (NM_001425328.1, NM_001425329.1); c.1233+6G>A (NM_001425332.1).
Identifiers: ClinVar variation 966022 (VCV000966022.8), dbSNP rs774806852, ClinGen allele CA966538.

ClinVar aggregate classification (germline): Uncertain significance. Review status: criteria provided, single submitter (1 of 4 stars). 2 submissions from 2 submitters: Uncertain significance (1). 1 of the submissions does not count toward it. Last evaluated 2022-06-10.

Conditions:
Glycogen storage disease type III (GSD3). Also called: FORBES DISEASE; Cori disease. Identifiers: Orphanet 366, MedGen C0017922, MONDO:0009291, OMIM 232400.

Allele frequency attached by ClinVar (database versions not stated): gnomAD exomes below 0.00001 and 0.00001; ExAC 0.00002; gnomAD 0.00004; TOPMed 0.00006.

Submissions (2):

Labcorp Genetics (formerly Invitae), Labcorp
Classification: Uncertain significance for Glycogen storage disease type III. Last evaluated: 2022-06-10. Review status: criteria provided, single submitter. Criteria: Invitae Variant Classification Sherloc (09022015). Collection method: clinical testing. Allele origin: germline.
Comment: This sequence change falls in intron 12 of the AGL gene. It does not directly change the encoded amino acid sequence of the AGL protein. It affects a nucleotide within the consensus splice site. This variant is present in population databases (rs774806852, gnomAD 0.02%). This variant has not been reported in the literature in individuals affected with AGL-related conditions. ClinVar contains an entry for this variant (Variation ID: 966022). Variants that disrupt the consensus splice site are a relatively common cause of aberrant splicing (PMID: 17576681, 9536098). Algorithms developed to predict the effect of sequence changes on RNA splicing suggest that this variant is not likely to affect RNA splicing. In summary, the available evidence is currently insufficient to determine the role of this variant in disease. Therefore, it has been classified as a Variant of Uncertain Significance.

Natera, Inc.
Classification: Uncertain significance for Glycogen storage disease type III. Last evaluated: 2020-06-15. Review status: no assertion criteria provided. Collection method: clinical testing. Allele origin: germline. Not counted in ClinVar's aggregate classification.

Literature cited by the submitters: PubMed 17576681 (cited by Labcorp Genetics (formerly Invitae), Labcorp); PubMed 9536098 (cited by Labcorp Genetics (formerly Invitae), Labcorp).